The following is an entry in ClinVar:

NM_139285.4(GAS2L2):c.1780G>A (p.Gly594Arg)

Gene: GAS2L2 (growth arrest specific 2 like 2; minus strand). Cytogenetic location: 17q12.
Variant type: single nucleotide variant.
Coding change: c.1780G>A on transcript NM_139285.4 (MANE Select); coding-DNA position 1780, G replaced by A.
Protein change: p.Gly594Arg; replaces glycine 594 with arginine.
Molecular consequence: missense variant.
Genome position (GRCh38, 1-based): chr17:35,745,717, C>T on the plus strand (G>A on the coding strand, the complement: GAS2L2 is on the minus strand). VCF-style: chr17-35745717-C-T. GRCh37 (hg19) VCF-style: chr17-34072736-C-T.
Other names: short protein forms G594R.
Identifiers: ClinVar variation 3053260 (VCV003053260.5), dbSNP rs146187323, ClinGen allele CA8505983.

ClinVar aggregate classification (germline): Conflicting classifications of pathogenicity. Review status: criteria provided, conflicting classifications (1 of 4 stars). 4 submissions from 4 submitters: Uncertain significance (1); Likely benign (2). 1 of the submissions does not count toward it. Last evaluated 2024-12-12.

Conditions:
GAS2L2-related disorder. Also called: GAS2L2-related condition.
Ciliary dyskinesia, primary, 41. Identifiers: MedGen C5193103, MONDO:0032757, OMIM 618449.

Allele frequency attached by ClinVar (database versions not stated): ESP Exome Variant Server 0.00015; gnomAD exomes 0.00022; gnomAD 0.00025; ExAC 0.00029; TOPMed 0.00043; 1000 Genomes Project 0.00080; 1000 Genomes Project 30x 0.00141.
gnomAD v4.1: 371 of 1,613,888 alleles (0.023%); highest among the groups gnomAD compares: Admixed American, 0.23%; no homozygotes.

Submissions (4):

Ambry Genetics
Classification: Likely benign. Last evaluated: 2024-12-12. Review status: criteria provided, single submitter. Criteria: Ambry Variant Classification Scheme 2023. Collection method: clinical testing. Allele origin: germline.

Blueprint Genetics
Classification: Likely benign. Last evaluated: 2024-10-31. Review status: criteria provided, single submitter. Criteria: ACMG Guidelines, 2015. Collection method: clinical testing. Allele origin: germline.

Fulgent Genetics
Classification: Uncertain significance for Ciliary dyskinesia, primary, 41. Last evaluated: 2023-12-29. Review status: criteria provided, single submitter. Criteria: ACMG Guidelines, 2015. Collection method: clinical testing. Allele origin: germline.

PreventionGenetics, part of Exact Sciences
Classification: Likely benign for GAS2L2-related condition. Last evaluated: 2022-02-16. Review status: no assertion criteria provided. Collection method: clinical testing. Allele origin: germline. Not counted in ClinVar's aggregate classification.
Comment: This variant is classified as likely benign based on ACMG/AMP sequence variant interpretation guidelines (Richards et al. 2015 PMID: 25741868, with internal and published modifications).